The following is an entry in ClinVar:

NM_002474.3(MYH11):c.5526G>C (p.Lys1842Asn)

Genes: NDE1 (nudE neurodevelopment protein 1; plus strand), MYH11 (myosin heavy chain 11; minus strand). Cytogenetic location: 16p13.11.
Variant type: single nucleotide variant.
Coding change: c.5526G>C on transcript NM_002474.3 (MANE Select); coding-DNA position 5526, G replaced by C.
Protein change: p.Lys1842Asn; replaces lysine 1842 with asparagine.
Molecular consequence: missense variant. On other transcripts: intron variant (2).
Genome position (GRCh38, 1-based): chr16:15,715,251, C>G on the plus strand (G>C on the coding strand, the complement: MYH11 is on the minus strand). VCF-style: chr16-15715251-C-G. GRCh37 (hg19) VCF-style: chr16-15809108-C-G.
Other names: c.5547G>C, p.Lys1849Asn (NM_001040113.2, NM_001040114.2); c.5526G>C, p.Lys1842Asn (NM_022844.3); c.948-8940C>G (NM_001143979.2, NM_017668.3); short protein forms K1842N, K1849N.
Identifiers: ClinVar variation 4745861 (VCV004745861.1).

ClinVar aggregate classification (germline): Uncertain significance (1 of 4 stars; one submission).

Conditions:
Aortic aneurysm, familial thoracic 4 (AAT4). Also called: AORTIC ANEURYSM/AORTIC DISSECTION AND PATENT DUCTUS ARTERIOSUS. Identifiers: MedGen C1851504, MONDO:0007568, OMIM 132900.

Submission:

Labcorp Genetics (formerly Invitae), Labcorp
Classification: Uncertain significance for Aortic aneurysm, familial thoracic 4. Last evaluated: 2025-08-30. Review status: criteria provided, single submitter. Criteria: Invitae Variant Classification Sherloc (09022015). Collection method: clinical testing. Allele origin: germline.
Comment: This sequence change replaces lysine, which is basic and polar, with asparagine, which is neutral and polar, at codon 1849 of the MYH11 protein (p.Lys1849Asn). This variant is not present in population databases (gnomAD no frequency). This variant has not been reported in the literature in individuals affected with MYH11-related conditions. Invitae Evidence Modeling of protein sequence and biophysical properties (such as structural, functional, and spatial information, amino acid conservation, physicochemical variation, residue mobility, and thermodynamic stability) indicates that this missense variant is not expected to disrupt MYH11 protein function with a negative predictive value of 80%. In summary, the available evidence is currently insufficient to determine the role of this variant in disease. Therefore, it has been classified as a Variant of Uncertain Significance.